The following is an entry in ClinVar:

ClinVar aggregate classification (germline): Uncertain significance. Review status: criteria provided, multiple submitters, no conflicts (2 of 4 stars). 3 submissions from 3 submitters: Uncertain significance (3). Last evaluated 2026-09-24.

Conditions:
Neurodegeneration with brain iron accumulation 6 (NBIA6). Also called: COASY protein-associated neurodegeneration. Identifiers: Orphanet 397725, MedGen C4517377, MONDO:0014290, OMIM 615643.

Allele frequency attached by ClinVar (database versions not stated): gnomAD 0.00042 and 0.00046; TOPMed 0.00046; 1000 Genomes Project 30x 0.00047; gnomAD exomes 0.00011 and 0.00005; ExAC 0.00016; ESP Exome Variant Server 0.00038; 1000 Genomes Project 0.00060.

Submissions (3):

GeneDx
Classification: Uncertain significance. Last evaluated: 2026-09-24. Review status: criteria provided, single submitter. Criteria: GeneDx Variant Classification Process June 2021. Collection method: clinical testing. Allele origin: germline.
Comment: In silico analysis supports that this missense variant has a deleterious effect on protein structure/function; Has not been previously published as pathogenic or benign to our knowledge

Women's Health and Genetics/Laboratory Corporation of America, LabCorp
Classification: Uncertain significance. Last evaluated: 2022-03-03. Review status: criteria provided, single submitter. Criteria: LabCorp Variant Classification Summary - May 2015. Collection method: clinical testing. Allele origin: germline.
Comment: Variant summary: COASY c.247G>T (p.Val83Phe) results in a non-conservative amino acid change in the encoded protein sequence. Four of five in-silico tools predict a damaging effect of the variant on protein function. The variant allele was found at a frequency of 0.00011 in 251192 control chromosomes. This frequency is not higher than expected for a pathogenic variant in COASY causing Neurodegeneration With Brain Iron Accumulation (0.00011 vs 0.00019), allowing no conclusion about variant significance. To our knowledge, no occurrence of c.247G>T in individuals affected with Neurodegeneration With Brain Iron Accumulation and no experimental evidence demonstrating its impact on protein function have been reported. One clinical diagnostic laboratory has submitted clinical-significance assessments for this variant to ClinVar after 2014 and classified the variant as uncertain significance. Based on the evidence outlined above, the variant was classified as uncertain significance.

Labcorp Genetics (formerly Invitae), Labcorp
Classification: Uncertain significance for Neurodegeneration with brain iron accumulation 6. Last evaluated: 2021-12-02. Review status: criteria provided, single submitter. Criteria: Invitae Variant Classification Sherloc (09022015). Collection method: clinical testing. Allele origin: germline.
Comment: This sequence change replaces valine, which is neutral and non-polar, with phenylalanine, which is neutral and non-polar, at codon 83 of the COASY protein (p.Val83Phe). This variant is present in population databases (rs115817227, gnomAD 0.2%). This variant has not been reported in the literature in individuals affected with COASY-related conditions. ClinVar contains an entry for this variant (Variation ID: 1321667). Algorithms developed to predict the effect of missense changes on protein structure and function are either unavailable or do not agree on the potential impact of this missense change (SIFT: "Deleterious"; PolyPhen-2: "Possibly Damaging"; Align-GVGD: "Class C0"). In summary, the available evidence is currently insufficient to determine the role of this variant in disease. Therefore, it has been classified as a Variant of Uncertain Significance.

NM_025233.7(COASY):c.247G>T (p.Val83Phe)

Gene: COASY (Coenzyme A synthase; plus strand). Cytogenetic location: 17q21.2.
Variant type: single nucleotide variant.
Coding change: c.247G>T on transcript NM_025233.7 (MANE Select); coding-DNA position 247, G replaced by T.
Protein change: p.Val83Phe; replaces valine 83 with phenylalanine.
Molecular consequence: missense variant.
Genome position (GRCh38, 1-based): chr17:42,562,869, G>T. VCF-style: chr17-42562869-G-T. GRCh37 (hg19) VCF-style: chr17-40714887-G-T.
Other names: c.334G>T, p.Val112Phe (NM_001042532.4); c.247G>T, p.Val83Phe (NM_001042529.3); short protein forms V112F, V83F.
Identifiers: ClinVar variation 1321667 (VCV001321667.8), dbSNP rs115817227, ClinGen allele CA8577950.